The following is an entry in ClinVar:

ClinVar aggregate classification (germline): Uncertain significance. Review status: criteria provided, multiple submitters, no conflicts (2 of 4 stars). 2 submissions from 2 submitters: Uncertain significance (2). Last evaluated 2025-09-10.

Conditions:
RYR1-related disorder. Also called: RYR1-related condition; RYR1-related disorders. Identifiers: MedGen CN239331.

Submissions (2):

Labcorp Genetics (formerly Invitae), Labcorp
Classification: Uncertain significance for RYR1-related disorder. Last evaluated: 2025-09-10. Review status: criteria provided, single submitter. Criteria: Invitae Variant Classification Sherloc (09022015). Collection method: clinical testing. Allele origin: germline.
Comment: This sequence change replaces cysteine, which is neutral and slightly polar, with tyrosine, which is neutral and polar, at codon 2042 of the RYR1 protein (p.Cys2042Tyr). This variant is present in population databases (rs759566554, gnomAD 0.006%). This variant has not been reported in the literature in individuals affected with RYR1-related conditions. An algorithm developed to predict the effect of missense changes on protein structure and function (PolyPhen-2) suggests that this variant is likely to be tolerated. In summary, the available evidence is currently insufficient to determine the role of this variant in disease. Therefore, it has been classified as a Variant of Uncertain Significance.

GeneDx
Classification: Uncertain significance. Last evaluated: 2025-06-24. Review status: criteria provided, single submitter. Criteria: GeneDx Variant Classification Process June 2021. Collection method: clinical testing. Allele origin: germline. Affected: yes.
Comment: Not observed at significant frequency in large population cohorts (gnomAD); In silico analysis supports that this missense variant has a deleterious effect on protein structure/function; Has not been previously published as pathogenic or benign to our knowledge

NM_000540.3(RYR1):c.6125G>A (p.Cys2042Tyr)

Gene: RYR1 (ryanodine receptor 1; plus strand). Cytogenetic location: 19q13.2.
Variant type: single nucleotide variant.
Coding change: c.6125G>A on transcript NM_000540.3 (MANE Select); coding-DNA position 6125, G replaced by A.
Protein change: p.Cys2042Tyr; replaces cysteine 2042 with tyrosine.
Molecular consequence: missense variant.
Genome position (GRCh38, 1-based): chr19:38,490,730, G>A. VCF-style: chr19-38490730-G-A. GRCh37 (hg19) VCF-style: chr19-38981370-G-A.
Other names: c.6125G>A, p.Cys2042Tyr (NM_001042723.2); short protein forms C2042Y.
Identifiers: ClinVar variation 4540067 (VCV004540067.2).